The following is an entry in ClinVar:

NM_198578.4(LRRK2):c.4961A>T (p.Glu1654Val)

Gene: LRRK2 (leucine rich repeat kinase 2; plus strand). Cytogenetic location: 12q12.
Variant type: single nucleotide variant.
Coding change: c.4961A>T on transcript NM_198578.4 (MANE Select); coding-DNA position 4961, A replaced by T.
Protein change: p.Glu1654Val; replaces glutamic acid 1654 with valine.
Molecular consequence: missense variant.
Genome position (GRCh38, 1-based): chr12:40,320,121, A>T. VCF-style: chr12-40320121-A-T. GRCh37 (hg19) VCF-style: chr12-40713923-A-T.
Other names: short protein forms E1654V.
Identifiers: ClinVar variation 3540564 (VCV003540564.1).
Genomic context (GRCh38, chr12:40,320,121, plus strand): 5'-TTCTTTCAAAAAAAAGGAAATTTCCAAAGAACTACATGTCACAGTATTTTAAGCTCCTAG[A>T]AAAATTCCAGATTGCTTTGCCAATAGGAGAAGAATATTTGCTGGTTCCAAGCAGGTAAAG-3'
Protein context (NP_940980.4, residues 1644-1664): NYMSQYFKLL[Glu1654Val]KFQIALPIGE

ClinVar aggregate classification (germline): Uncertain significance (1 of 4 stars; one submission).

Conditions:
Inborn genetic diseases. Identifiers: MedGen C0950123, MeSH D030342.

Submission:

Ambry Genetics
Classification: Uncertain significance for Inborn genetic diseases. Last evaluated: 2024-07-03. Review status: criteria provided, single submitter. Criteria: Ambry Variant Classification Scheme 2023. Collection method: clinical testing. Allele origin: germline.
Comment: The p.E1654V variant (also known as c.4961A>T), located in coding exon 34 of the LRRK2 gene, results from an A to T substitution at nucleotide position 4961. The glutamic acid at codon 1654 is replaced by valine, an amino acid with dissimilar properties. This amino acid position is conserved. In addition, this alteration is predicted to be deleterious by in silico analysis. Based on the available evidence, the clinical significance of this variant remains unclear.